The following is an entry in ClinVar:

NM_000064.4(C3):c.1645G>A (p.Asp549Asn)

Gene: C3 (complement C3; minus strand). Cytogenetic location: 19p13.3.
Variant type: single nucleotide variant.
Coding change: c.1645G>A on transcript NM_000064.4 (MANE Select); coding-DNA position 1645, G replaced by A.
Protein change: p.Asp549Asn; replaces aspartic acid 549 with asparagine.
Molecular consequence: missense variant.
Genome position (GRCh38, 1-based): chr19:6,710,680, C>T on the plus strand (G>A on the coding strand, the complement: C3 is on the minus strand). VCF-style: chr19-6710680-C-T. GRCh37 (hg19) VCF-style: chr19-6710691-C-T.
Other names: short protein forms D549N.
Identifiers: ClinVar variation 2736765 (VCV002736765.5), dbSNP rs1449441916, ClinGen allele CA403640296.

ClinVar aggregate classification (germline): Uncertain significance. Review status: criteria provided, multiple submitters, no conflicts (2 of 4 stars). 3 submissions from 3 submitters: Uncertain significance (3). Last evaluated 2025-09-30.

Conditions:
Complement component 3 deficiency. Identifiers: Orphanet 280133, MedGen C3151071, MONDO:0013417, OMIM 613779.
Atypical hemolytic-uremic syndrome with C3 anomaly. Also called: AHUS, SUSCEPTIBILITY TO, 5. Identifiers: Orphanet 2134, MedGen C2752037, MONDO:0013043, OMIM 612925.

Allele frequency attached by ClinVar (database versions not stated): gnomAD exomes below 0.00001; TOPMed 0.00002.
gnomAD v4.1: 5 of 1,613,400 alleles (0.00031%); highest among the groups gnomAD compares: Non-Finnish European, 0.00034%; no homozygotes.

Submissions (3):

Genomenon, Inc
Classification: Uncertain significance for Complement component 3 deficiency. Last evaluated: 2025-09-30. Review status: criteria provided, single submitter. Criteria: Genomenon Sequence Variant Interpretation Standards. Collection method: curation. Allele origin: germline. Affected: yes.
Comment: C3 p.Asp549Asn (c.1645G>A) is a missense variant that changes the amino acid at residue 549 from Aspartic acid to Asparagine. This variant has been observed in at least one proband affected with C3 deficiency (PMID:7961791). The variant was found to segregate with disease in at least one affected family (PMID:7961791). Functional studies have been reported; however, the significance of the findings remain unclear (PMID:7961791). It is absent or not present at a significant frequency in gnomAD. In conclusion, we classify C3 p.Asp549Asn (c.1645G>A) as a variant of unknown significance.

Clinical Genomics Laboratory, Washington University in St. Louis
Classification: Uncertain significance for Atypical hemolytic-uremic syndrome with C3 anomaly; Complement component 3 deficiency. Last evaluated: 2024-05-23. Review status: criteria provided, single submitter. Criteria: ACMG Guidelines, 2015. Collection method: clinical testing. Allele origin: germline.
Comment: The C3 c.1645G>A (p.Asp549Asn) variant was identified. The C3 c.1645G>A (p.Asp549Asn) variant has been reported in a heterozygous state in one family affected with C3 deficiency (Okura Y et al., PMID: 26435005; Singer L et al., PMID: 7961791). This variant is only observed on 5/1,613,400 alleles in the general population (gnomAD v.4.1.0), indicating it is not a common variant. This variant has been reported in the ClinVar database as a variant of uncertain significance by one submitter (ClinVar ID: 2736765). Computational predictors are uncertain as to the impact of this variant on C3 function. Due to limited information, and based on ACMG/AMP guidelines for variant interpretation (Richards S et al., PMID: 25741868), the clinical significance of this variant is uncertain at this time.

Labcorp Genetics (formerly Invitae), Labcorp
Classification: Uncertain significance. Last evaluated: 2022-12-02. Review status: criteria provided, single submitter. Criteria: Invitae Variant Classification Sherloc (09022015). Collection method: clinical testing. Allele origin: germline.
Comment: Advanced modeling of protein sequence and biophysical properties (such as structural, functional, and spatial information, amino acid conservation, physicochemical variation, residue mobility, and thermodynamic stability) has been performed at Invitae for this missense variant, however the output from this modeling did not meet the statistical confidence thresholds required to predict the impact of this variant on C3 protein function. This missense change has been observed in individual(s) with C3 deficiency (PMID: 7961791). This variant is not present in population databases (gnomAD no frequency). This sequence change replaces aspartic acid, which is acidic and polar, with asparagine, which is neutral and polar, at codon 549 of the C3 protein (p.Asp549Asn). Experimental studies have shown that this missense change affects C3 function (PMID: 7961791). In summary, the available evidence is currently insufficient to determine the role of this variant in disease. Therefore, it has been classified as a Variant of Uncertain Significance.

Literature cited by the submitters: PubMed 7961791 (cited by Genomenon, Inc and Labcorp Genetics (formerly Invitae), Labcorp).